The following is an entry in ClinVar:

NM_000182.5(HADHA):c.914T>C (p.Ile305Thr)

Gene: HADHA (hydroxyacyl-CoA dehydrogenase trifunctional multienzyme complex subunit alpha; minus strand). Cytogenetic location: 2p23.3.
Variant type: single nucleotide variant.
Coding change: c.914T>C on transcript NM_000182.5 (MANE Select); coding-DNA position 914, T replaced by C.
Protein change: p.Ile305Thr; replaces isoleucine 305 with threonine.
Molecular consequence: missense variant.
Genome position (GRCh38, 1-based): chr2:26,214,447, A>G on the plus strand (T>C on the coding strand, the complement: HADHA is on the minus strand). VCF-style: chr2-26214447-A-G. GRCh37 (hg19) VCF-style: chr2-26437316-A-G.
Other names: short protein forms I305T.
Identifiers: ClinVar variation 453019 (VCV000453019.11), dbSNP rs137852774, ClinGen allele CA346091183.

ClinVar aggregate classification (germline): Conflicting classifications of pathogenicity. Review status: criteria provided, conflicting classifications (1 of 4 stars). 5 submissions from 5 submitters: Pathogenic (1); Likely pathogenic (2); Uncertain significance (1). 1 of the submissions does not count toward it. Last evaluated 2024-11-19.

Conditions:
Mitochondrial trifunctional protein deficiency. Identifiers: Orphanet 746, MedGen C1969443, MONDO:0012172.
Long chain 3-hydroxyacyl-CoA dehydrogenase deficiency. Also called: LCHAD Deficiency; Deficiency of long-chain 3-hydroxyacyl-coenzyme A dehydrogenase. Identifiers: Orphanet 5, MedGen C3711645, MONDO:0012173, OMIM 609016.
Mitochondrial trifunctional protein deficiency 1 (MTPD1). Identifiers: MedGen CN376812, MONDO:0958181, OMIM 609015.

Allele frequency attached by ClinVar (database versions not stated): gnomAD 0.00001; TOPMed 0.00001.
gnomAD v4.1: 16 of 1,448,052 alleles (0.0011%); highest among the groups gnomAD compares: Admixed American, 0.0017%; no homozygotes.

Submissions (5):

Labcorp Genetics (formerly Invitae), Labcorp
Classification: Likely pathogenic for Mitochondrial trifunctional protein deficiency; Long chain 3-hydroxyacyl-CoA dehydrogenase deficiency. Last evaluated: 2024-11-19. Review status: criteria provided, single submitter. Criteria: Invitae Variant Classification Sherloc (09022015). Collection method: clinical testing. Allele origin: germline.
Comment: This sequence change replaces isoleucine, which is neutral and non-polar, with threonine, which is neutral and polar, at codon 305 of the HADHA protein (p.Ile305Thr). This variant is present in population databases (no rsID available, gnomAD 0.007%). This variant has not been reported in the literature in individuals affected with HADHA-related conditions. ClinVar contains an entry for this variant (Variation ID: 453019). Invitae Evidence Modeling of protein sequence and biophysical properties (such as structural, functional, and spatial information, amino acid conservation, physicochemical variation, residue mobility, and thermodynamic stability) indicates that this missense variant is expected to disrupt HADHA protein function with a positive predictive value of 80%. This variant disrupts the p.Ile305 amino acid residue in HADHA. Other variant(s) that disrupt this residue have been determined to be pathogenic (PMID: 9739053, 21549624, 26109258). This suggests that this residue is clinically significant, and that variants that disrupt this residue are likely to be disease-causing. In summary, the currently available evidence indicates that the variant is pathogenic, but additional data are needed to prove that conclusively. Therefore, this variant has been classified as Likely Pathogenic.

3billion
Classification: Pathogenic for Mitochondrial trifunctional protein deficiency 1. Last evaluated: 2024-08-08. Review status: criteria provided, single submitter. Criteria: ACMG Guidelines, 2015. Collection method: clinical testing. Allele origin: germline. Affected: yes.
Comment: The variant is observed at an extremely low frequency in the gnomAD v4.0.0 dataset (total allele frequency: 0.001%). Predicted Consequence/Location: The majority of the known disease-causing variants of this gene are variants expected to result in premature termination of the protein. In silico tool predictions suggest damaging effect of the variant on gene or gene product [REVEL: 0.89 (>=0.6, sensitivity 0.68 and specificity 0.92)]. The same nucleotide change resulting in the same amino acid change has been previously reported as pathogenic/likely pathogenic with strong evidence (ClinVar ID: VCV000453019). A different missense change at the same codon (p.Ile305Asn) has been reported as pathogenic/likely pathogenic with strong evidence (ClinVar ID: VCV000008736 /PMID: 9739053). Therefore, this variant is classified as Pathogenic according to the recommendation of ACMG/AMP guideline.

Women's Health and Genetics/Laboratory Corporation of America, LabCorp
Classification: Uncertain significance. Last evaluated: 2023-10-10. Review status: criteria provided, single submitter. Criteria: LabCorp Variant Classification Summary - May 2015. Collection method: clinical testing. Allele origin: germline.
Comment: Variant summary: HADHA c.914T>C (p.Ile305Thr) results in a non-conservative amino acid change in the encoded protein sequence. Five of five in-silico tools predict a damaging effect of the variant on protein function. The variant allele was found at a frequency of 4e-06 in 251006 control chromosomes. The available data on variant occurrences in the general population are insufficient to allow any conclusion about variant significance. To our knowledge, no occurrence of c.914T>C in individuals affected with Long Chain 3-Hydroxyacyl-CoA Dehydrogenase Deficiency and no experimental evidence demonstrating its impact on protein function have been reported. Although, another variant in the same residue has been reported (I305N), the evidence for this variant is limited at this time to allow any conclusions. Three submitters have cited clinical-significance assessments for this variant to ClinVar after 2014. Based on the evidence outlined above, the variant was classified as uncertain significance.

GeneDx
Classification: Likely pathogenic. Last evaluated: 2017-10-20. Review status: criteria provided, single submitter. Criteria: GeneDx Variant Classification (06012015). Collection method: clinical testing. Allele origin: germline. Affected: yes.
Comment: The I305T variant in the HADHA gene has not been reported previously as a pathogenic variant, nor as a benign variant, to our knowledge. The I305T variant is not observed in the homozygous state or at a significant frequency in large population cohorts (Lek et al., 2016). The I305T variant is a non-conservative amino acid substitution, which is likely to impact secondary protein structure as these residues differ in polarity, charge, size and/or other properties. This substitution occurs at a position that is conserved across species. In silico analysis predicts this variant is probably damaging to the protein structure/function. A missense variant in the same residue (I305N; I269N by alternate nomenclature) has been reported in the compound heterozygous state with another HADHA gene variant in an individual with recurrent episodes of muscle weakness and myoglobinuria, and reduced 3-hydroxyacyl-CoA activity activity in fibroblasts, supporting the functional importance of this region of the protein (Ibdah et al., 1998). We interpret I305T as a likely pathogenic variant.

Counsyl
Classification: Uncertain significance for Long chain 3-hydroxyacyl-CoA dehydrogenase deficiency. Last evaluated: 2018-04-24. Review status: no assertion criteria provided. Collection method: clinical testing. Allele origin: unknown. Not counted in ClinVar's aggregate classification.

Literature cited by the submitters: PubMed 9739053 (cited by Labcorp Genetics (formerly Invitae), Labcorp and 3billion); PubMed 21549624 (cited by Labcorp Genetics (formerly Invitae), Labcorp); PubMed 26109258 (cited by Labcorp Genetics (formerly Invitae), Labcorp).